The following is an entry in ClinVar:

NM_001353694.2(TIAM1):c.3029A>C (p.His1010Pro)

Gene: TIAM1 (TIAM Rac1 associated GEF 1; minus strand). Cytogenetic location: 21q22.11.
Variant type: single nucleotide variant.
Coding change: c.3029A>C on transcript NM_001353694.2 (MANE Select); coding-DNA position 3029, A replaced by C.
Protein change: p.His1010Pro; replaces histidine 1010 with proline.
Molecular consequence: missense variant. On other transcripts: intron variant (2).
Genome position (GRCh38, 1-based): chr21:31,154,389, T>G on the plus strand (A>C on the coding strand, the complement: TIAM1 is on the minus strand). VCF-style: chr21-31154389-T-G. GRCh37 (hg19) VCF-style: chr21-32526707-T-G.
Other names: c.128A>C, p.His43Pro (NM_001353684.2); c.2954A>C, p.His985Pro (NM_001353687.2); c.3029A>C, p.His1010Pro (NM_001353688.1, NM_001353689.1, NM_001353690.1 and 4 more transcripts); c.2992-38A>C (NM_001353686.2); c.91-38A>C (NM_001353685.2); short protein forms H43P, H985P, H1010P.
Identifiers: ClinVar variation 2509650 (VCV002509650.28), dbSNP rs200356631, ClinGen allele CA9997946.

ClinVar aggregate classification (germline): Uncertain significance. Review status: criteria provided, multiple submitters, no conflicts (2 of 4 stars). 4 submissions from 4 submitters: Uncertain significance (4). Last evaluated 2025-11-07.

Conditions:
Neurodevelopmental disorder with language delay and seizures (NEDLDS). Identifiers: MedGen C5676998, MONDO:0859256, OMIM 619908.

Allele frequency attached by ClinVar (database versions not stated): ESP Exome Variant Server 0.00008; ExAC 0.00014; 1000 Genomes Project 30x 0.00016; 1000 Genomes Project 0.00020.
gnomAD v4.1: 230 of 1,614,064 alleles (0.014%); highest among the groups gnomAD compares: Middle Eastern, 0.066%; 1 homozygote.

Submissions (4):

Ambry Genetics
Classification: Uncertain significance. Last evaluated: 2025-11-07. Review status: criteria provided, single submitter. Criteria: Ambry Variant Classification Scheme 2023. Collection method: clinical testing. Allele origin: germline.

Pittsburgh Clinical Genomics Laboratory, University of Pittsburgh Medical Center
Classification: Uncertain significance for Neurodevelopmental disorder with language delay and seizures. Last evaluated: 2023-12-19. Review status: criteria provided, single submitter. Criteria: ACMG Guidelines, 2015. Collection method: clinical testing. Allele origin: germline. Inheritance: Autosomal recessive inheritance. Affected: yes.
Comment: This sequence variant is a single nucleotide substitution (A>C) at position 3029 of the coding sequence of the TIAM1 gene that results in a histidine to proline amino acid change at residue 1010 of the TIAM Rac1 associated GEF 1 protein. This is a previously reported variant (ClinVar 2509650) that has not been observed in the literature in individuals affected by TIAM1-related disease, to our knowledge. This variant is present in 230 of 1614064 alleles (0.01425%), including 1 homozygote, in the gnomAD v4.0.0 population dataset. Bioinformatic tools are inconclusive if this amino acid change will be damaging or tolerated, and the His1010 residue at this position is highly conserved across the vertebrate species examined. Studies examining the functional consequence of this variant have not been performed, to our knowledge. At this time, there is insufficient evidence to determine if this variant is pathogenic or benign. Therefore, we consider this a variant of uncertain significance. ACMG Criteria:

CeGaT Center for Human Genetics Tuebingen
Classification: Uncertain significance. Last evaluated: 2023-06-01. Review status: criteria provided, single submitter. Criteria: CeGaT Center For Human Genetics Tuebingen Variant Classification Criteria Version 2. Collection method: clinical testing. Allele origin: germline. Affected: yes. Observed: 1 variant allele.

Breakthrough Genomics
Classification: Uncertain significance. Review status: criteria provided, single submitter. Criteria: ACMG Guidelines, 2015. Collection method: not provided. Allele origin: germline. Inheritance: Autosomal dominant inheritance. Affected: yes.